The following is an entry in ClinVar:

NM_002772.3(TMPRSS15):c.2785C>T (p.Gln929Ter)

Gene: TMPRSS15 (transmembrane serine protease 15; minus strand). Cytogenetic location: 21q21.1.
Variant type: single nucleotide variant.
Coding change: c.2785C>T on transcript NM_002772.3 (MANE Select); coding-DNA position 2785, C replaced by T.
Protein change: p.Gln929Ter; replaces glutamine 929 with a stop codon.
Molecular consequence: nonsense.
Genome position (GRCh38, 1-based): chr21:18,275,316, G>A on the plus strand (C>T on the coding strand, the complement: TMPRSS15 is on the minus strand). VCF-style: chr21-18275316-G-A. GRCh37 (hg19) VCF-style: chr21-19647633-G-A.
Other names: short protein forms Q929*.
Identifiers: ClinVar variation 2814681 (VCV002814681.3), dbSNP rs1228690395, ClinGen allele CA409847545.

ClinVar aggregate classification (germline): Pathogenic (1 of 4 stars; one submission).

Allele frequency attached by ClinVar (database versions not stated): gnomAD exomes below 0.00001; TOPMed below 0.00001; gnomAD 0.00001.
gnomAD v4.1: 4 of 1,613,844 alleles (0.00025%); highest among the groups gnomAD compares: Non-Finnish European, 0.00025%; no homozygotes.

Submission:

Labcorp Genetics (formerly Invitae), Labcorp
Classification: Pathogenic. Last evaluated: 2023-06-01. Review status: criteria provided, single submitter. Criteria: Invitae Variant Classification Sherloc (09022015). Collection method: clinical testing. Allele origin: germline.
Comment: For these reasons, this variant has been classified as Pathogenic. This variant has not been reported in the literature in individuals affected with TMPRSS15-related conditions. This variant is not present in population databases (gnomAD no frequency). This sequence change creates a premature translational stop signal (p.Gln929*) in the TMPRSS15 gene. It is expected to result in an absent or disrupted protein product. Loss-of-function variants in TMPRSS15 are known to be pathogenic (PMID: 11719902).

Literature cited by the submitters: PubMed 11719902.